The following is an entry in ClinVar:

NM_000289.6(PFKM):c.1880+27A>G

Gene: PFKM (phosphofructokinase, muscle; plus strand). Cytogenetic location: 12q13.11.
Variant type: single nucleotide variant.
Coding change: c.1880+27A>G on transcript NM_000289.6 (MANE Select); 27 bases into the intron after coding-DNA position 1880, A replaced by G.
Molecular consequence: intron variant.
Genome position (GRCh38, 1-based): chr12:48,143,841, A>G. VCF-style: chr12-48143841-A-G. GRCh37 (hg19) VCF-style: chr12-48537624-A-G.
Other names: c.1904+27A>G (NM_001354741.2); c.1880+27A>G (NM_001354742.2, NM_001354743.2, NM_001354744.2 and 2 more transcripts); c.1730+27A>G (NM_001354747.2, NM_001354748.2); c.2093+27A>G (NM_001166686.2, NM_001354737.1, NM_001354739.1 and 1 more transcripts); c.2189+27A>G (NM_001354736.1, NM_001354735.1); c.2024+27A>G (NM_001354740.1); c.1793+27A>G (NM_001354745.2); c.1754+27A>G (NM_001354746.2); and 1 more.
Identifiers: ClinVar variation 255754 (VCV000255754.11), dbSNP rs4075913, ClinGen allele CA6537456.

ClinVar aggregate classification (germline): Benign. Review status: criteria provided, multiple submitters, no conflicts (2 of 4 stars). 6 submissions from 6 submitters: Benign (5). 1 of the submissions does not count toward it. Last evaluated 2021-09-05.

Conditions:
Glycogen storage disease, type VII (GSD7). Also called: MUSCLE PHOSPHOFRUCTOKINASE DEFICIENCY; PFKM DEFICIENCY; TARUI DISEASE; GSD VII. Identifiers: Orphanet 371, MedGen C0017926, MONDO:0009295, OMIM 232800.

Allele frequency attached by ClinVar (database versions not stated): 1000 Genomes Project 0.64537; 1000 Genomes Project 30x 0.65100; gnomAD exomes 0.72180; ExAC 0.73522; TOPMed 0.76220; gnomAD 0.77367 and 0.78311; ESP Exome Variant Server 0.81047.
gnomAD v4.1: 1,259,985 of 1,576,994 alleles (80%); highest among the groups gnomAD compares: Non-Finnish European, 84%; 511,957 homozygotes.

Submissions (6):

Genome-Nilou Lab
Classification: Benign for Glycogen storage disease, type VII. Last evaluated: 2021-09-05. Review status: criteria provided, single submitter. Criteria: ACMG Guidelines, 2015. Collection method: clinical testing. Allele origin: germline. Affected: no.

Pars Genome Lab
Classification: Benign for Glycogen storage disease, type VII. Last evaluated: 2021-07-01. Review status: criteria provided, single submitter. Criteria: ACMG Guidelines, 2015. Collection method: clinical testing. Allele origin: germline. Affected: no.

GeneDx
Classification: Benign. Last evaluated: 2018-06-14. Review status: criteria provided, single submitter. Criteria: GeneDx Variant Classification (06012015). Collection method: clinical testing. Allele origin: germline. Affected: yes.
Comment: This variant is considered likely benign or benign based on one or more of the following criteria: it is a conservative change, it occurs at a poorly conserved position in the protein, it is predicted to be benign by multiple in silico algorithms, and/or has population frequency not consistent with disease.

Breakthrough Genomics
Classification: Benign. Review status: criteria provided, single submitter. Criteria: ACMG Guidelines, 2015. Collection method: not provided. Allele origin: germline. Inheritance: Autosomal recessive inheritance. Affected: yes.

PreventionGenetics, part of Exact Sciences
Classification: Benign. Review status: criteria provided, single submitter. Criteria: ACMG Guidelines, 2015. Collection method: clinical testing. Allele origin: germline.

Mayo Clinic Laboratories, Mayo Clinic
Classification: Benign. Last evaluated: 2015-10-21. Review status: no assertion criteria provided. Collection method: clinical testing. Allele origin: unknown. Not counted in ClinVar's aggregate classification.